The following is an entry in ClinVar:

ClinVar aggregate classification (germline): Uncertain significance (1 of 4 stars; one submission).

Submission:

GeneDx
Classification: Uncertain significance. Last evaluated: 2020-06-25. Review status: criteria provided, single submitter. Criteria: GeneDx Variant Classification Process June 2021. Collection method: clinical testing. Allele origin: germline. Affected: yes.
Comment: Not observed in large population cohorts (Lek et al., 2016); Frameshift variant predicted to result in protein truncation or nonsense mediated decay in a gene for which loss-of-function is not a known mechanism of disease; Has not been previously published as pathogenic or benign to our knowledge

NM_001273.5(CHD4):c.2274del (p.Val759fs)

Gene: CHD4 (chromodomain helicase DNA binding protein 4; minus strand). Cytogenetic location: 12p13.31.
Variant type: Deletion.
Coding change: c.2274del on transcript NM_001273.5 (MANE Select); coding-DNA position 2274, one base deleted (T; older notation c.2274delT).
Protein change: p.Val759fs; shifts the reading frame from valine 759.
Molecular consequence: frameshift variant.
Genome position (GRCh38, 1-based): chr12:6,594,498, A deleted on the plus strand (T on the coding strand, the reverse complement: CHD4 is on the minus strand). VCF-style (leftmost placement, unchanged base first): chr12-6594497-CA-C. GRCh37 (hg19) VCF-style: chr12-6703663-CA-C.
Other names: c.2253del, p.Val752fs (NM_001297553.2); c.2235del, p.Val746fs (NM_001363606.2); short protein forms V746fs, V752fs, V759fs.
Identifiers: ClinVar variation 1312802 (VCV001312802.2), dbSNP rs2136216591, ClinGen allele CA2573053754.